The following is an entry in ClinVar:

ClinVar aggregate classification (germline): Pathogenic. Review status: reviewed by expert panel (3 of 4 stars). 9 submissions from 9 submitters: Pathogenic (1). 8 of the submissions do not count toward it. Last evaluated 2016-09-08.

Conditions:
Hereditary breast ovarian cancer syndrome. Also called: Hereditary breast and ovarian cancer syndrome; Hereditary breast and ovarian cancer; Hereditary breast and ovarian cancer syndrome (HBOC); Breast and ovarian cancer; Hereditary breast and/or ovarian cancer syndrome; BRCA1- and BRCA2-Associated Hereditary Breast and Ovarian Cancer. Identifiers: Orphanet 145, MedGen C0677776, MeSH D061325, MONDO:0003582. Disease mechanism: loss of function.
Hereditary cancer-predisposing syndrome. Also called: Neoplastic Syndromes, Hereditary; Tumor predisposition; Hereditary neoplastic syndrome; Hereditary Cancer Syndrome. Identifiers: Orphanet 140162, MedGen C0027672, MeSH D009386, MONDO:0015356.
Breast-ovarian cancer, familial, susceptibility to, 2 (BROVCA2). Also called: BRCA2 Hereditary Breast and Ovarian Cancer. Identifiers: Orphanet 145, MedGen C2675520, MONDO:0012933, OMIM 612555. Disease mechanism: loss of function.
Malignant tumor of breast. Also called: Malignant breast neoplasm; Cancer breast. Identifiers: MedGen C0006142, MONDO:0007254. Disease mechanism: loss of function.

Allele frequency attached by ClinVar (database versions not stated): gnomAD 0.00010.
gnomAD v4.1: 2 of 1,613,808 alleles (0.00012%); highest among the groups gnomAD compares: Non-Finnish European, 0.00017%; no homozygotes.

Submissions (9):

Evidence-based Network for the Interpretation of Germline Mutant Alleles (ENIGMA)
Classification: Pathogenic for Breast-ovarian cancer, familial, susceptibility to, 2. Last evaluated: 2016-09-08. Review status: reviewed by expert panel. Criteria: ENIGMA BRCA1/2 Classification Criteria (2015). Collection method: curation. Allele origin: germline.
Comment: Variant allele predicted to encode a truncated non-functional protein.

Quest Diagnostics Nichols Institute San Juan Capistrano
Classification: Pathogenic. Last evaluated: 2024-07-22. Review status: criteria provided, single submitter. Criteria: Quest Diagnostics criteria. Collection method: clinical testing. Allele origin: unknown. Not counted in ClinVar's aggregate classification.
Comment: The BRCA2 c.8572C>T (p.Gln2858*) variant causes the premature termination of BRCA2 protein synthesis. This variant has been reported in the published literature in multiple individuals with breast or ovarian cancer (PMIDs: 10449599 (1999), 29084914 (2010), 30350268 (2019), 36367610 (2023), 33471991 (2021), see also LOVD). The frequency of this variant in the general population, 0.0002 (3/15372 chromosomes (Genome Aggregation Database)), is consistent with pathogenicity. Based on the available information, this variant is classified as pathogenic.

Labcorp Genetics (formerly Invitae), Labcorp
Classification: Pathogenic for Hereditary breast ovarian cancer syndrome. Last evaluated: 2024-06-10. Review status: criteria provided, single submitter. Criteria: Invitae Variant Classification Sherloc (09022015). Collection method: clinical testing. Allele origin: germline. Not counted in ClinVar's aggregate classification.
Comment: This sequence change creates a premature translational stop signal (p.Gln2858*) in the BRCA2 gene. It is expected to result in an absent or disrupted protein product. Loss-of-function variants in BRCA2 are known to be pathogenic (PMID: 20104584). This variant is present in population databases (rs80359112, gnomAD 0.02%). This premature translational stop signal has been observed in individual(s) with breast cancer and/or ovarian cancer (PMID: 10449599, 25066507). This variant is also known as C8800T. ClinVar contains an entry for this variant (Variation ID: 52624). For these reasons, this variant has been classified as Pathogenic.

Ambry Genetics
Classification: Pathogenic for Hereditary cancer-predisposing syndrome. Last evaluated: 2021-07-01. Review status: criteria provided, single submitter. Criteria: Ambry Variant Classification Scheme 2023. Collection method: clinical testing. Allele origin: germline. Not counted in ClinVar's aggregate classification.
Comment: The p.Q2858* pathogenic mutation (also known as c.8572C>T), located in coding exon 19 of the BRCA2 gene, results from a C to T substitution at nucleotide position 8572. This changes the amino acid from a glutamine to a stop codon within coding exon 19. This mutation has been identified in several individuals with a personal or family history suggestive of Hereditary Breast and Ovarian Cancer syndrome (Santarosa M et al. Int. J. Cancer, 1999 Sep;83:5-9; Janaviius R et al. Cancer Genet, 2014 May;207:195-205; Labidi-Galy SI et al. Clin Cancer Res, 2018 01;24:326-333; Ryu JM et al. Breast Cancer Res Treat, 2019 Jan;173:385-395). Of note, this mutation may be referred to as 8800C>T in some literature. In addition to the clinical data presented in the literature, this alteration is expected to result in loss of function by premature protein truncation or nonsense-mediated mRNA decay. As such, this alteration is interpreted as a disease-causing mutation.

Consortium of Investigators of Modifiers of BRCA1/2 (CIMBA), c/o University of Cambridge
Classification: Pathogenic for Breast-ovarian cancer, familial, susceptibility to, 2. Last evaluated: 2015-10-02. Review status: criteria provided, single submitter. Criteria: CIMBA Mutation Classification guidelines May 2016. Collection method: clinical testing. Allele origin: germline. Not counted in ClinVar's aggregate classification.

Institute of Genomics, University of Tartu
Classification: Pathogenic for Breast-ovarian cancer, familial, susceptibility to, 2. Review status: criteria provided, single submitter. Criteria: ACMG Guidelines, 2015. Collection method: research. Allele origin: germline. Affected: yes. Observed: 6 variant alleles. Not counted in ClinVar's aggregate classification.

Research Molecular Genetics Laboratory, Women's College Hospital, University of Toronto
Classification: Pathogenic for Hereditary breast ovarian cancer syndrome. Last evaluated: 2014-01-31. Review status: no assertion criteria provided. Collection method: research. Allele origin: germline. Affected: yes. Study: The Canadian Open Genetics Repository (COGR). Not counted in ClinVar's aggregate classification.

Breast Cancer Information Core (BIC) (BRCA2)
Classification: Pathogenic for Breast-ovarian cancer, familial 2. Last evaluated: 1999-06-22. Review status: no assertion criteria provided. Collection method: clinical testing. Allele origin: germline. Affected: yes. Observed: 1 variant allele. Not counted in ClinVar's aggregate classification.

Department of Pathology and Laboratory Medicine, Sinai Health System
Classification: Pathogenic for Malignant tumor of breast. Review status: no assertion criteria provided. Collection method: clinical testing. Allele origin: unknown. Affected: yes. Study: The Canadian Open Genetics Repository (COGR). Not counted in ClinVar's aggregate classification.
Comment: The p.Gln2858x variant has been identified as a clinically significant mutation in 1 out of 92 proband chromosomes (frequency 0.011) from individuals with a breast and ovarian cancer phenotype, however no controls were included in this study (Santarosa 1999). It is listed in the dbSNP database as coming from a â€šÃ„Ãºclinical sourceâ€šÃ„Ã¹ (ID#: rs80359112), but no frequency information was available. The p.Gln2858X variant leads to a premature stop codon at position 2858, which is predicted to lead to a truncated or absent protein and loss of function. Loss of function of the BRCA2 gene is an established disease mechanism in hereditary breast cancer patients. In summary, based on the above information, this variant is classified as pathogenic.

Literature cited by the submitters: PubMed 33471991 (cited by Quest Diagnostics Nichols Institute San Juan Capistrano and Ambry Genetics); PubMed 36367610 (cited by Quest Diagnostics Nichols Institute San Juan Capistrano); PubMed 30350268 (cited by Quest Diagnostics Nichols Institute San Juan Capistrano and Ambry Genetics); PubMed 29446198 (cited by Quest Diagnostics Nichols Institute San Juan Capistrano and Ambry Genetics); PubMed 29084914 (cited by Quest Diagnostics Nichols Institute San Juan Capistrano and Ambry Genetics); PubMed 10449599 (cited by 3 submitters); PubMed 20104584 (cited by Labcorp Genetics (formerly Invitae), Labcorp); PubMed 25066507 (cited by Labcorp Genetics (formerly Invitae), Labcorp and Ambry Genetics); PubMed 15340362 (cited by Ambry Genetics); PubMed 32059136 (cited by Ambry Genetics); PubMed 33230308 (cited by Ambry Genetics); PubMed 33468216 (cited by Ambry Genetics).

NM_000059.4(BRCA2):c.8572C>T (p.Gln2858Ter)

Gene: BRCA2 (BRCA2 DNA repair associated; plus strand). Cytogenetic location: 13q13.1.
Variant type: single nucleotide variant.
Coding change: c.8572C>T on transcript NM_000059.4 (MANE Select); coding-DNA position 8572, C replaced by T.
Protein change: p.Gln2858Ter; replaces glutamine 2858 with a stop codon.
Molecular consequence: nonsense.
Genome position (GRCh38, 1-based): chr13:32,371,040, C>T. VCF-style: chr13-32371040-C-T. GRCh37 (hg19) VCF-style: chr13-32945177-C-T.
Other names: short protein forms Q2858*.
Identifiers: ClinVar variation 52624 (VCV000052624.21), dbSNP rs80359112, ClinGen allele CA025716.
Genomic context (GRCh38, chr13:32,371,040, plus strand): 5'-TTATACATATTTCGCAATGAAAGAGAGGAAGAAAAGGAAGCAGCAAAATATGTGGAGGCC[C>T]AACAAAAGAGACTAGAAGCCTTATTCACTAAAATTCAGGAGGAATTTGAAGAACATGAAG-3'